The following is an entry in ClinVar:

ClinVar aggregate classification (germline): Uncertain significance. Review status: criteria provided, multiple submitters, no conflicts (2 of 4 stars). 2 submissions from 2 submitters: Uncertain significance (2). Last evaluated 2026-02-24.

Conditions:
Inborn genetic diseases. Identifiers: MedGen C0950123, MeSH D030342.

gnomAD v4.1: 1 of 1,595,724 alleles (0.000063%); highest among the groups gnomAD compares: Non-Finnish European, 0.000086%; no homozygotes.

Submissions (2):

GeneDx
Classification: Uncertain significance. Last evaluated: 2026-02-24. Review status: criteria provided, single submitter. Criteria: GeneDx Variant Classification Process June 2021. Collection method: clinical testing. Allele origin: germline.
Comment: Not observed at significant frequency in large population cohorts (gnomAD); In silico analysis supports that this missense variant has a deleterious effect on protein structure/function; Has not been previously published as pathogenic or benign to our knowledge

Ambry Genetics
Classification: Uncertain significance for Inborn genetic diseases. Last evaluated: 2025-12-04. Review status: criteria provided, single submitter. Criteria: Ambry Variant Classification Scheme 2023. Collection method: clinical testing. Allele origin: germline.

NM_033109.5(PNPT1):c.347A>C (p.Tyr116Ser)

Gene: PNPT1 (polyribonucleotide nucleotidyltransferase 1; minus strand). Cytogenetic location: 2p16.1.
Variant type: single nucleotide variant.
Coding change: c.347A>C on transcript NM_033109.5 (MANE Select); coding-DNA position 347, A replaced by C.
Protein change: p.Tyr116Ser; replaces tyrosine 116 with serine.
Molecular consequence: missense variant.
Genome position (GRCh38, 1-based): chr2:55,684,999, T>G on the plus strand (A>C on the coding strand, the complement: PNPT1 is on the minus strand). VCF-style: chr2-55684999-T-G. GRCh37 (hg19) VCF-style: chr2-55912134-T-G.
Other names: c.347A>C (NM_033109.4); short protein forms Y116S.
Identifiers: ClinVar variation 4628095 (VCV004628095.3).